The following is an entry in ClinVar:

ClinVar aggregate classification (germline): Uncertain significance (1 of 4 stars; one submission).

Conditions:
Cardiovascular phenotype. Identifiers: MedGen CN230736.

Submission:

Ambry Genetics
Classification: Uncertain significance for Cardiovascular phenotype. Last evaluated: 2025-12-21. Review status: criteria provided, single submitter. Criteria: Ambry Variant Classification Scheme 2023. Collection method: clinical testing. Allele origin: germline.
Comment: The p.S392R variant (also known as c.1176C>G), located in coding exon 8 of the TBX5 gene, results from a C to G substitution at nucleotide position 1176. The serine at codon 392 is replaced by arginine, an amino acid with dissimilar properties. This amino acid position is conserved. In addition, this alteration is predicted to be tolerated by in silico analysis. Based on the available evidence, the clinical significance of this variant remains unclear.

NM_181486.4(TBX5):c.1176C>G (p.Ser392Arg)

Gene: TBX5 (T-box transcription factor 5; minus strand). Cytogenetic location: 12q24.21.
Variant type: single nucleotide variant.
Coding change: c.1176C>G on transcript NM_181486.4 (MANE Select); coding-DNA position 1176, C replaced by G.
Protein change: p.Ser392Arg; replaces serine 392 with arginine.
Molecular consequence: missense variant.
Genome position (GRCh38, 1-based): chr12:114,355,913, G>C on the plus strand (C>G on the coding strand, the complement: TBX5 is on the minus strand). VCF-style: chr12-114355913-G-C. GRCh37 (hg19) VCF-style: chr12-114793718-G-C.
Other names: c.1176C>G, p.Ser392Arg (NM_000192.3); c.1026C>G, p.Ser342Arg (NM_080717.4); short protein forms S342R, S392R.
Identifiers: ClinVar variation 4841587 (VCV004841587.1).